The following is an entry in ClinVar:

ClinVar aggregate classification (germline): Benign/Likely benign. Review status: criteria provided, multiple submitters, no conflicts (2 of 4 stars). 4 submissions from 4 submitters: Benign (3); Likely benign (1). Last evaluated 2025-12-16.

Conditions:
Renal hypomagnesemia 4. Also called: HYPOMAGNESEMIA, RENAL, NORMOCALCIURIC. Identifiers: Orphanet 34527, MedGen C2673648, MONDO:0012717, OMIM 611718.

Allele frequency attached by ClinVar (database versions not stated): ESP Exome Variant Server 0.00008; gnomAD 0.00015 and 0.00025; TOPMed 0.00031; 1000 Genomes Project 30x 0.00062; gnomAD exomes 0.00068 and 0.00086; 1000 Genomes Project 0.00080; ExAC 0.00083.
gnomAD v4.1: 1,013 of 1,613,750 alleles (0.063%); highest among the groups gnomAD compares: East Asian, 2.1%; 14 homozygotes.

Submissions (4):

Labcorp Genetics (formerly Invitae), Labcorp
Classification: Benign. Last evaluated: 2025-12-16. Review status: criteria provided, single submitter. Criteria: Invitae Variant Classification Sherloc (09022015). Collection method: clinical testing. Allele origin: germline.

Blueprint Genetics
Classification: Likely benign. Last evaluated: 2024-11-18. Review status: criteria provided, single submitter. Criteria: ACMG Guidelines, 2015. Collection method: clinical testing. Allele origin: germline.

Fulgent Genetics
Classification: Benign for Renal hypomagnesemia 4. Last evaluated: 2021-08-12. Review status: criteria provided, single submitter. Criteria: ACMG Guidelines, 2015. Collection method: clinical testing. Allele origin: unknown.

Illumina Laboratory Services, Illumina
Classification: Benign for Renal hypomagnesemia 4. Last evaluated: 2018-01-12. Review status: criteria provided, single submitter. Criteria: ICSL Variant Classification Criteria 13 December 2019. Collection method: clinical testing. Allele origin: germline.
Comment: This variant was observed in the ICSL laboratory as part of a predisposition screen in an ostensibly healthy population. It had not been previously curated by ICSL or reported in the Human Gene Mutation Database (HGMD: prior to June 1st, 2018), and was therefore a candidate for classification through an automated scoring system. Utilizing variant allele frequency, disease prevalence and penetrance estimates, and inheritance mode, an automated score was calculated to assess if this variant is too frequent to cause the disease. Based on the score and internal cut-off values, a variant classified as benign is not then subjected to further curation. The score for this variant resulted in a classification of benign for this disease.

NM_001963.6(EGF):c.1066+10G>C

Gene: EGF (epidermal growth factor; plus strand). Cytogenetic location: 4q25.
Variant type: single nucleotide variant.
Coding change: c.1066+10G>C on transcript NM_001963.6 (MANE Select); 10 bases into the intron after coding-DNA position 1066, G replaced by C.
Molecular consequence: intron variant.
Genome position (GRCh38, 1-based): chr4:109,959,447, G>C. VCF-style: chr4-109959447-G-C. GRCh37 (hg19) VCF-style: chr4-110880603-G-C.
Other names: c.1066+10G>C (NM_001178130.3); c.941-1420G>C (NM_001178131.3, NM_001357021.2).
Identifiers: ClinVar variation 347231 (VCV000347231.14), dbSNP rs76435576, ClinGen allele CA3043560.